The following is an entry in ClinVar:

ClinVar aggregate classification (germline): Uncertain significance (1 of 4 stars; one submission).

Submission:

GeneDx
Classification: Uncertain significance. Last evaluated: 2025-09-09. Review status: criteria provided, single submitter. Criteria: GeneDx Variant Classification Process June 2021. Collection method: clinical testing. Allele origin: germline. Affected: yes.
Comment: Not observed at significant frequency in large population cohorts (gnomAD); In silico analysis suggests this variant may impact gene splicing. In the absence of RNA/functional studies, the actual effect of this sequence change is unknown.; Has not been previously published as pathogenic or benign to our knowledge

NM_001009944.3(PKD1):c.3549G>T (p.Ser1183=)

Gene: PKD1 (polycystin 1, transient receptor potential channel interacting; minus strand). Cytogenetic location: 16p13.3.
Variant type: single nucleotide variant.
Coding change: c.3549G>T on transcript NM_001009944.3 (MANE Select); coding-DNA position 3549, G replaced by T.
Protein change: p.Ser1183=; no amino-acid change (serine 1183 retained).
Molecular consequence: synonymous variant.
Genome position (GRCh38, 1-based): chr16:2,111,618, C>A on the plus strand (G>T on the coding strand, the complement: PKD1 is on the minus strand). VCF-style: chr16-2111618-C-A. GRCh37 (hg19) VCF-style: chr16-2161619-C-A.
Other names: c.3549G>T, p.Ser1183= (NM_000296.4).
Identifiers: ClinVar variation 2575608 (VCV002575608.4), dbSNP rs1166163874, ClinGen allele CA493049591.